The following is an entry in ClinVar:

NM_001130438.3(SPTAN1):c.4147-13C>T

Gene: SPTAN1 (spectrin alpha, non-erythrocytic 1; plus strand). Cytogenetic location: 9q34.11.
Variant type: single nucleotide variant.
Coding change: c.4147-13C>T on transcript NM_001130438.3 (MANE Select); 13 bases into the intron before coding-DNA position 4147, C replaced by T.
Molecular consequence: intron variant.
Genome position (GRCh38, 1-based): chr9:128,607,839, C>T. VCF-style: chr9-128607839-C-T. GRCh37 (hg19) VCF-style: chr9-131370118-C-T.
Other names: c.4147-13C>T (NM_001363759.2, NM_003127.4); c.4087-13C>T (NM_001363765.2, NM_001195532.2).
Identifiers: ClinVar variation 382863 (VCV000382863.1), dbSNP rs374834326, ClinGen allele CA16605360.

ClinVar aggregate classification (germline): Likely benign (1 of 4 stars; one submission).

gnomAD v4.1: 2 of 1,613,824 alleles (0.00012%); highest among the groups gnomAD compares: Non-Finnish European, 0.00017%; no homozygotes.

Submission:

GeneDx
Classification: Likely benign. Last evaluated: 2016-01-18. Review status: criteria provided, single submitter. Criteria: GeneDx Variant Classification (06012015). Collection method: clinical testing. Allele origin: germline. Affected: yes.
Comment: This variant is considered likely benign or benign based on one or more of the following criteria: it is a conservative change, it occurs at a poorly conserved position in the protein, it is predicted to be benign by multiple in silico algorithms, and/or has population frequency not consistent with disease.